The following is an entry in ClinVar:

ClinVar aggregate classification (germline): Uncertain significance (1 of 4 stars; one submission).

Submission:

Dasa
Classification: Uncertain significance. Last evaluated: 2024-10-29. Review status: criteria provided, single submitter. Criteria: DASA Assertion Criteria. Collection method: clinical testing. Allele origin: germline.
Comment: NM_004281.4(BAG3):c.1396G>T (p.Asp466Tyr) is a missense variant that results in the substitution of aspartic acid with tyrosine. This variant is absent from population databases. Computational prediction algorithms are consistent with a deleterious effect. The currently available literature and clinical evidence are not sufficient to establish a definitive association between this variant and the reported condition. Therefore, this variant is classified as a variant of uncertain significance.

NM_004281.4(BAG3):c.1396G>T (p.Asp466Tyr)

Gene: BAG3 (BAG cochaperone 3; plus strand). Cytogenetic location: 10q26.11.
Variant type: single nucleotide variant.
Coding change: c.1396G>T on transcript NM_004281.4 (MANE Select); coding-DNA position 1396, G replaced by T.
Protein change: p.Asp466Tyr; replaces aspartic acid 466 with tyrosine.
Molecular consequence: missense variant.
Genome position (GRCh38, 1-based): chr10:119,676,950, G>T. VCF-style: chr10-119676950-G-T. GRCh37 (hg19) VCF-style: chr10-121436462-G-T.
Other names: short protein forms D466Y.
Identifiers: ClinVar variation 4885579 (VCV004885579.2).
Genomic context (GRCh38, chr10:119,676,950, plus strand): 5'-AAGACTGACAAAAAGTACCTGATGATCGAAGAGTATTTGACCAAAGAGCTGCTGGCCCTG[G>T]ATTCAGTGGACCCCGAGGGACGAGCCGATGTGCGTCAGGCCAGGAGAGACGGTGTCAGGA-3'
Protein context (NP_004272.2, residues 456-476): EYLTKELLAL[Asp466Tyr]SVDPEGRADV